The following is an entry in ClinVar:

NM_005228.5(EGFR):c.3010G>A (p.Glu1004Lys)

Gene: EGFR (epidermal growth factor receptor; plus strand). Cytogenetic location: 7p11.2.
Variant type: single nucleotide variant.
Coding change: c.3010G>A on transcript NM_005228.5 (MANE Select); coding-DNA position 3010, G replaced by A.
Protein change: p.Glu1004Lys; replaces glutamic acid 1004 with lysine.
Molecular consequence: missense variant.
Genome position (GRCh38, 1-based): chr7:55,201,251, G>A. VCF-style: chr7-55201251-G-A. GRCh37 (hg19) VCF-style: chr7-55268944-G-A.
Other names: c.3010G>A (NM_005228.3); c.2875G>A, p.Glu959Lys (NM_001346897.2, NM_001346899.2); c.3010G>A, p.Glu1004Lys (NM_001346898.2); c.2851G>A, p.Glu951Lys (NM_001346900.2); c.2209G>A, p.Glu737Lys (NM_001346941.2); short protein forms E951K, E959K, E737K, E1004K.
Identifiers: ClinVar variation 1385349 (VCV001385349.9), dbSNP rs2128971592, ClinGen allele CA367582469.

ClinVar aggregate classification (germline): Uncertain significance. Review status: criteria provided, multiple submitters, no conflicts (2 of 4 stars). 2 submissions from 2 submitters: Uncertain significance (2). Last evaluated 2025-02-12.

Conditions:
Hereditary cancer-predisposing syndrome. Also called: Tumor predisposition; Neoplastic Syndromes, Hereditary; Hereditary Cancer Syndrome; Hereditary neoplastic syndrome. Identifiers: Orphanet 140162, MedGen C0027672, MeSH D009386, MONDO:0015356.
EGFR-related lung cancer (EGFR). Identifiers: MedGen CN130014.

Allele frequency attached by ClinVar (database versions not stated): gnomAD exomes below 0.00001.
gnomAD v4.1: 1 of 1,614,172 alleles (0.000062%); highest among the groups gnomAD compares: Non-Finnish European, 0.000085%; no homozygotes.

Submissions (2):

Ambry Genetics
Classification: Uncertain significance for Hereditary cancer-predisposing syndrome. Last evaluated: 2025-02-12. Review status: criteria provided, single submitter. Criteria: Ambry Variant Classification Scheme 2023. Collection method: clinical testing. Allele origin: germline.
Comment: The p.E1004K variant (also known as c.3010G>A), located in coding exon 25 of the EGFR gene, results from a G to A substitution at nucleotide position 3010. The glutamic acid at codon 1004 is replaced by lysine, an amino acid with similar properties. This amino acid position is highly conserved in available vertebrate species. In addition, the in silico prediction for this alteration is inconclusive. Based on the available evidence, the clinical significance of this variant remains unclear.

Labcorp Genetics (formerly Invitae), Labcorp
Classification: Uncertain significance for EGFR-related lung cancer. Last evaluated: 2024-12-10. Review status: criteria provided, single submitter. Criteria: Invitae Variant Classification Sherloc (09022015). Collection method: clinical testing. Allele origin: germline.
Comment: This sequence change replaces glutamic acid, which is acidic and polar, with lysine, which is basic and polar, at codon 1004 of the EGFR protein (p.Glu1004Lys). This variant is not present in population databases (gnomAD no frequency). This variant has not been reported in the literature in individuals affected with EGFR-related conditions. ClinVar contains an entry for this variant (Variation ID: 1385349). Invitae Evidence Modeling of protein sequence and biophysical properties (such as structural, functional, and spatial information, amino acid conservation, physicochemical variation, residue mobility, and thermodynamic stability) indicates that this missense variant is not expected to disrupt EGFR protein function with a negative predictive value of 80%. In summary, the available evidence is currently insufficient to determine the role of this variant in disease. Therefore, it has been classified as a Variant of Uncertain Significance.